The following is an entry in ClinVar:

NM_197968.4(ZMYM2):c.1823G>T (p.Cys608Phe)

Gene: ZMYM2 (zinc finger MYM-type containing 2; plus strand). Cytogenetic location: 13q12.11.
Variant type: single nucleotide variant.
Coding change: c.1823G>T on transcript NM_197968.4 (MANE Select); coding-DNA position 1823, G replaced by T.
Protein change: p.Cys608Phe; replaces cysteine 608 with phenylalanine.
Molecular consequence: missense variant. On other transcripts: non-coding transcript variant (1).
Genome position (GRCh38, 1-based): chr13:20,027,290, G>T. VCF-style: chr13-20027290-G-T. GRCh37 (hg19) VCF-style: chr13-20601430-G-T.
Other names: c.1823G>T, p.Cys608Phe (NM_001190964.4, NM_001190965.4, NM_001353157.2 and 5 more transcripts); c.1628G>T, p.Cys543Phe (NM_001353161.3); c.1562G>T, p.Cys521Phe (NM_001353163.2); short protein forms C521F, C543F, C608F.
Identifiers: ClinVar variation 3368812 (VCV003368812.1).
Genomic context (GRCh38, chr13:20,027,290, plus strand): 5'-AGCGAAACTCTTTACCTCAATACCAAGCCACAATGCCTGATGGAAAACTGTACAACTTTT[G>T]CAATTCCAGTTGTGTGGCTAAATTTCAGGTTTGTCGTTTATTTTGCATAACCCATGCCCC-3'
Protein context (NP_932072.1, residues 598-618): TMPDGKLYNF[Cys608Phe]NSSCVAKFQA

ClinVar aggregate classification (germline): Uncertain significance (1 of 4 stars; one submission).

Submission:

GeneDx
Classification: Uncertain significance. Last evaluated: 2024-02-04. Review status: criteria provided, single submitter. Criteria: GeneDx Variant Classification Process June 2021. Collection method: clinical testing. Allele origin: germline. Affected: yes.
Comment: Not observed at significant frequency in large population cohorts (gnomAD); In silico analysis supports that this missense variant has a deleterious effect on protein structure/function; Has not been previously published as pathogenic or benign to our knowledge